The following is an entry in ClinVar:

ClinVar aggregate classification (germline): Conflicting classifications of pathogenicity. Review status: criteria provided, conflicting classifications (1 of 4 stars). 3 submissions from 3 submitters: Uncertain significance (1); Likely benign (2). Last evaluated 2025-05-02.

Conditions:
Tuberous sclerosis syndrome (TSC). Also called: Tuberous Sclerosis Complex; Tuberous sclerosis. Identifiers: Orphanet 805, MedGen C0041341, MONDO:0001734.
Tuberous sclerosis 2 (TSC2). Identifiers: Orphanet 805, MedGen C1860707, MONDO:0013199, OMIM 613254.
Hereditary cancer-predisposing syndrome. Also called: Neoplastic Syndromes, Hereditary; Tumor predisposition; Hereditary Cancer Syndrome; Hereditary neoplastic syndrome. Identifiers: Orphanet 140162, MedGen C0027672, MeSH D009386, MONDO:0015356.

Submissions (3):

Myriad Genetics, Inc.
Classification: Likely benign for Tuberous sclerosis 2. Last evaluated: 2025-05-02. Review status: criteria provided, single submitter. Criteria: Myriad Autosomal Dominant, Autosomal Recessive and X-Linked Classification Criteria (2023). Collection method: clinical testing. Allele origin: unknown.
Comment: This variant is considered likely benign. This variant is intronic and is not expected to impact mRNA splicing.

All of Us Research Program, National Institutes of Health
Classification: Likely benign for Tuberous sclerosis syndrome. Last evaluated: 2023-06-26. Review status: criteria provided, single submitter. Criteria: ACMG Guidelines, 2015. Collection method: clinical testing. Allele origin: germline. Inheritance: Autosomal dominant inheritance. Observed: 1 variant allele, 1 heterozygote.
Comment: This study involves interpretation of variants in research participants for the purpose of population health screening. Participant phenotype was not available at the time of variant classification. Additional details can be found in publication PMID: 35346344, PMCID: PMC8962531

Ambry Genetics
Classification: Uncertain significance for Hereditary cancer-predisposing syndrome. Last evaluated: 2022-08-11. Review status: criteria provided, single submitter. Criteria: Ambry Variant Classification Scheme 2023. Collection method: clinical testing. Allele origin: germline.
Comment: The c.337-5T>C intronic variant results from a T to C substitution 5 nucleotides upstream from coding exon 4 in the TSC2 gene. This nucleotide position is not well conserved in available vertebrate species. In silico splice site analysis predicts that this alteration will not have any significant effect on splicing. Since supporting evidence is limited at this time, the clinical significance of this alteration remains unclear.

NM_000548.5(TSC2):c.337-5T>C

Gene: TSC2 (TSC complex subunit 2; plus strand). Cytogenetic location: 16p13.3.
Variant type: single nucleotide variant.
Coding change: c.337-5T>C on transcript NM_000548.5 (MANE Select); 5 bases into the intron before coding-DNA position 337, T replaced by C.
Molecular consequence: intron variant.
Genome position (GRCh38, 1-based): chr16:2,054,291, T>C. VCF-style: chr16-2054291-T-C. GRCh37 (hg19) VCF-style: chr16-2104292-T-C.
Other names: c.337-5T>C (NM_001114382.3, NM_021055.3, NM_001370405.1 and 3 more transcripts); c.226-5T>C (NM_001318827.2); c.-1-1905T>C (NM_001318831.2); c.190-5T>C (NM_001318829.2); c.370-5T>C (NM_001318832.2).
Identifiers: ClinVar variation 1730767 (VCV001730767.4), dbSNP rs2548412653, ClinGen allele CA2580090646.